The following is an entry in ClinVar:

NM_004408.4(DNM1):c.557C>T (p.Ala186Val)

Genes: DNM1 (dynamin 1; plus strand), LOC113839516 (Sharpr-MPRA regulatory region 8497; plus strand). Cytogenetic location: 9q34.11.
Variant type: single nucleotide variant.
Coding change: c.557C>T on transcript NM_004408.4 (MANE Select); coding-DNA position 557, C replaced by T.
Protein change: p.Ala186Val; replaces alanine 186 with valine.
Molecular consequence: missense variant.
Genome position (GRCh38, 1-based): chr9:128,219,220, C>T. VCF-style: chr9-128219220-C-T. GRCh37 (hg19) VCF-style: chr9-130981499-C-T.
Other names: c.557C>T, p.Ala186Val (NM_001005336.3, NM_001288737.2, NM_001288738.2 and 2 more transcripts); short protein forms A186V.
Identifiers: ClinVar variation 3712184 (VCV003712184.2).

ClinVar aggregate classification (germline): Uncertain significance (1 of 4 stars; one submission).

Conditions:
Developmental and epileptic encephalopathy, 31A. Also called: Epileptic encephalopathy, early infantile, 31; Developmental and epileptic encephalopathy, 31. Identifiers: Orphanet 2382, MedGen C4225357, MONDO:0014598, OMIM 616346.

Submission:

Labcorp Genetics (formerly Invitae), Labcorp
Classification: Uncertain significance for Developmental and epileptic encephalopathy, 31A. Last evaluated: 2024-11-13. Review status: criteria provided, single submitter. Criteria: Invitae Variant Classification Sherloc (09022015). Collection method: clinical testing. Allele origin: germline.
Comment: This sequence change replaces alanine, which is neutral and non-polar, with valine, which is neutral and non-polar, at codon 186 of the DNM1 protein (p.Ala186Val). This variant is not present in population databases (gnomAD no frequency). This variant has not been reported in the literature in individuals affected with DNM1-related conditions. Invitae Evidence Modeling of protein sequence and biophysical properties (such as structural, functional, and spatial information, amino acid conservation, physicochemical variation, residue mobility, and thermodynamic stability) indicates that this missense variant is expected to disrupt DNM1 protein function with a positive predictive value of 80%. In summary, the available evidence is currently insufficient to determine the role of this variant in disease. Therefore, it has been classified as a Variant of Uncertain Significance.